The following is an entry in ClinVar:

ClinVar aggregate classification (germline): Pathogenic (1 of 4 stars; one submission).

Conditions:
Arrhythmogenic right ventricular dysplasia 8 (ARVD8). Also called: Arrhythmogenic Right Ventricular Dysplasia/Cardiomyopathy 8; ARRHYTHMOGENIC RIGHT VENTRICULAR DYSPLASIA, FAMILIAL, 8; ARRHYTHMOGENIC RIGHT VENTRICULAR CARDIOMYOPATHY 8. Identifiers: MedGen C1843896, MONDO:0011831, OMIM 607450.
Arrhythmogenic cardiomyopathy with wooly hair and keratoderma. Also called: Carvajal syndrome; PALMOPLANTAR KERATODERMA WITH LEFT VENTRICULAR CARDIOMYOPATHY AND WOOLLY HAIR; Arrhythmogenic cardiomyopathy with woolly hair and keratoderma; Dilated cardiomyopathy with woolly hair and keratoderma. Identifiers: Orphanet 65282, MedGen C1854063, MONDO:0011581, OMIM 605676.

Submission:

Labcorp Genetics (formerly Invitae), Labcorp
Classification: Pathogenic for Arrhythmogenic cardiomyopathy with wooly hair and keratoderma; Arrhythmogenic right ventricular dysplasia 8. Last evaluated: 2020-10-03. Review status: criteria provided, single submitter. Criteria: Invitae Variant Classification Sherloc (09022015). Collection method: clinical testing. Allele origin: germline.
Comment: For these reasons, this variant has been classified as Pathogenic. Loss-of-function variants in DSP are known to be pathogenic (PMID: 20716751, 24503780, 25227139). This variant has not been reported in the literature in individuals with DSP-related conditions. This variant is an out-of-frame deletion of the genomic region encompassing exon(s) 7-12 of the DSP gene. This is expected to create a premature translational stop signal and result in an absent or disrupted protein product.

Literature cited by the submitters: PubMed 20716751; PubMed 24503780; PubMed 25227139.

NC_000006.11:g.(?_7565582)_(7569583_?)del

Gene: DSP (desmoplakin; plus strand). Cytogenetic location: 6p24.3.
Variant type: Deletion.
Identifiers: ClinVar variation 1075228 (VCV001075228.8).